The following is an entry in ClinVar:

NM_015122.3(FCHO1):c.1004G>A (p.Ser335Asn)

Gene: FCHO1 (FCH and mu domain containing endocytic adaptor 1; plus strand). Cytogenetic location: 19p13.11.
Variant type: single nucleotide variant.
Coding change: c.1004G>A on transcript NM_015122.3 (MANE Select); coding-DNA position 1004, G replaced by A.
Protein change: p.Ser335Asn; replaces serine 335 with asparagine.
Molecular consequence: missense variant. On other transcripts: non-coding transcript variant (34).
Genome position (GRCh38, 1-based): chr19:17,775,983, G>A. VCF-style: chr19-17775983-G-A. GRCh37 (hg19) VCF-style: chr19-17886792-G-A.
Other names: c.1004G>A, p.Ser335Asn (NM_001161357.2, NM_001161358.2, NM_001384370.1 and 25 more transcripts); c.854G>A, p.Ser285Asn (NM_001161359.2, NM_001384384.1, NM_001384385.1 and 3 more transcripts); c.965G>A, p.Ser322Asn (NM_001384388.1, NM_001384389.1, NM_001384405.1); c.929G>A, p.Ser310Asn (NM_001384390.1); c.959G>A, p.Ser320Asn (NM_001384403.1); short protein forms S310N, S322N, S320N, S335N, S285N.
Identifiers: ClinVar variation 1357782 (VCV001357782.7), dbSNP rs113157048, ClinGen allele CA306114950.

ClinVar aggregate classification (germline): Uncertain significance (1 of 4 stars; one submission).

Allele frequency attached by ClinVar (database versions not stated): TOPMed below 0.00001.
gnomAD v4.1: 16 of 1,606,192 alleles (0.001%); highest among the groups gnomAD compares: African/African-American, 0.0053%; no homozygotes.

Submission:

Labcorp Genetics (formerly Invitae), Labcorp
Classification: Uncertain significance. Last evaluated: 2022-07-26. Review status: criteria provided, single submitter. Criteria: Invitae Variant Classification Sherloc (09022015). Collection method: clinical testing. Allele origin: germline.
Comment: In summary, the available evidence is currently insufficient to determine the role of this variant in disease. Therefore, it has been classified as a Variant of Uncertain Significance. Algorithms developed to predict the effect of sequence changes on RNA splicing suggest that this variant may disrupt the consensus splice site. Algorithms developed to predict the effect of missense changes on protein structure and function output the following: SIFT: "Tolerated"; PolyPhen-2: "Benign"; Align-GVGD: "Class C0". The asparagine amino acid residue is found in multiple mammalian species, which suggests that this missense change does not adversely affect protein function. ClinVar contains an entry for this variant (Variation ID: 1357782). This variant has not been reported in the literature in individuals affected with FCHO1-related conditions. This variant is not present in population databases (gnomAD no frequency). This sequence change replaces serine, which is neutral and polar, with asparagine, which is neutral and polar, at codon 335 of the FCHO1 protein (p.Ser335Asn).